The following is an entry in ClinVar:

NM_000551.4(VHL):c.446C>T (p.Ala149Val)

Genes: VHL (von Hippel-Lindau tumor suppressor; plus strand), LOC107303340 (3p25 von Hippel-Lindau tumor suppressor, E3 ubiquitin protein ligase Alu-mediated recombination region; plus strand). Cytogenetic location: 3p25.3.
Variant type: single nucleotide variant.
Coding change: c.446C>T on transcript NM_000551.4 (MANE Select); coding-DNA position 446, C replaced by T.
Protein change: p.Ala149Val; replaces alanine 149 with valine.
Molecular consequence: missense variant. On other transcripts: intron variant (2).
Genome position (GRCh38, 1-based): chr3:10,146,619, C>T. VCF-style: chr3-10146619-C-T. GRCh37 (hg19) VCF-style: chr3-10188303-C-T.
Other names: c.*18-3168C>T (NM_001354723.2); c.341-3168C>T (NM_198156.3); short protein forms A149V.
Identifiers: ClinVar variation 1018515 (VCV001018515.9), dbSNP rs1696266503, ClinGen allele CA351754317.
Genomic context (GRCh38, chr3:10,146,619, plus strand): 5'-TGGTTAACCAAACTGAATTATTTGTGCCATCTCTCAATGTTGACGGACAGCCTATTTTTG[C>T]CAATATCACACTGCCAGGTACTGACGTTTTACTTTTTAAAAAGATAAGGTTGTTGTGGTA-3'
Protein context (NP_000542.1, residues 139-159): SLNVDGQPIF[Ala149Val]NITLPVYTLK

ClinVar aggregate classification (germline): Likely pathogenic (1 of 4 stars; one submission).

Conditions:
Chuvash polycythemia. Also called: POLYCYTHEMIA, VHL-DEPENDENT. Identifiers: Orphanet 238557, MedGen C1837915, MONDO:0009892, OMIM 263400.
Von Hippel-Lindau syndrome (VHLS). Also called: VHL syndrome; von Hippel–Lindau syndrome; Von Hippel-Lindau. Identifiers: Orphanet 892, MedGen C0019562, MONDO:0008667, OMIM 193300. Disease mechanism: loss of function.

Submission:

Labcorp Genetics (formerly Invitae), Labcorp
Classification: Likely pathogenic for Von Hippel-Lindau syndrome; Chuvash polycythemia. Last evaluated: 2024-04-20. Review status: criteria provided, single submitter. Criteria: Invitae Variant Classification Sherloc (09022015). Collection method: clinical testing. Allele origin: germline.
Comment: This sequence change replaces alanine, which is neutral and non-polar, with valine, which is neutral and non-polar, at codon 149 of the VHL protein (p.Ala149Val). This variant is not present in population databases (gnomAD no frequency). This variant has not been reported in the literature in individuals affected with VHL-related conditions. ClinVar contains an entry for this variant (Variation ID: 1018515). Advanced modeling of protein sequence and biophysical properties (such as structural, functional, and spatial information, amino acid conservation, physicochemical variation, residue mobility, and thermodynamic stability) performed at Invitae indicates that this missense variant is expected to disrupt VHL protein function with a positive predictive value of 95%. This variant disrupts the p.Ala149 amino acid residue in VHL. Other variant(s) that disrupt this residue have been determined to be pathogenic (PMID: 9435426, 23673869). This suggests that this residue is clinically significant, and that variants that disrupt this residue are likely to be disease-causing. In summary, the currently available evidence indicates that the variant is pathogenic, but additional data are needed to prove that conclusively. Therefore, this variant has been classified as Likely Pathogenic.

Literature cited by the submitters: PubMed 9435426; PubMed 23673869.